The following is an entry in ClinVar:

ClinVar aggregate classification (germline): Uncertain significance (1 of 4 stars; one submission).

Allele frequency attached by ClinVar (database versions not stated): gnomAD exomes below 0.00001; TOPMed below 0.00001.
gnomAD v4.1: 4 of 1,552,122 alleles (0.00026%); highest among the groups gnomAD compares: African/African-American, 0.0027%; no homozygotes.

Submission:

Labcorp Genetics (formerly Invitae), Labcorp
Classification: Uncertain significance. Last evaluated: 2021-10-22. Review status: criteria provided, single submitter. Criteria: Invitae Variant Classification Sherloc (09022015). Collection method: clinical testing. Allele origin: germline.
Comment: Algorithms developed to predict the effect of missense changes on protein structure and function (SIFT, PolyPhen-2, Align-GVGD) all suggest that this variant is likely to be disruptive. This variant has not been reported in the literature in individuals affected with DTHD1-related conditions. This variant is not present in population databases (ExAC no frequency). This sequence change replaces alanine with valine at codon 337 of the DTHD1 protein (p.Ala337Val). The alanine residue is highly conserved and there is a small physicochemical difference between alanine and valine. In summary, the available evidence is currently insufficient to determine the role of this variant in disease. Therefore, it has been classified as a Variant of Uncertain Significance.

NM_001170700.3(DTHD1):c.1880C>T (p.Ala627Val)

Gene: DTHD1 (death domain containing 1; plus strand). Cytogenetic location: 4p14.
Variant type: single nucleotide variant.
Coding change: c.1880C>T on transcript NM_001170700.3 (MANE Select); coding-DNA position 1880, C replaced by T.
Protein change: p.Ala627Val; replaces alanine 627 with valine.
Molecular consequence: missense variant. On other transcripts: non-coding transcript variant (2).
Genome position (GRCh38, 1-based): chr4:36,308,278, C>T. VCF-style: chr4-36308278-C-T. GRCh37 (hg19) VCF-style: chr4-36309900-C-T.
Other names: c.1010C>T, p.Ala337Val (NM_001136536.5); c.947C>T, p.Ala316Val (NM_001378435.1); short protein forms A337V, A627V, A316V.
Identifiers: ClinVar variation 1422406 (VCV001422406.6), dbSNP rs1757174082, ClinGen allele CA356680819.